The following is an entry in ClinVar:

NM_020975.6(RET):c.3187+1G>C

Gene: RET (ret proto-oncogene; plus strand). Cytogenetic location: 10q11.21.
Variant type: single nucleotide variant.
Coding change: c.3187+1G>C on transcript NM_020975.6 (MANE Select); the canonical splice donor site of the intron after coding-DNA position 3187, G replaced by C.
Molecular consequence: splice donor variant. On other transcripts: missense variant (18), intron variant (4).
Genome position (GRCh38, 1-based): chr10:43,126,723, G>C. VCF-style: chr10-43126723-G-C. GRCh37 (hg19) VCF-style: chr10-43622171-G-C.
Other names: c.3187+1G>C (NM_020975.4, NM_001406743.1, NM_001406744.1); c.2426G>C, p.Gly809Ala (NM_001355216.2); c.3059G>C, p.Gly1020Ala (NM_001406764.1); c.3053G>C, p.Gly1018Ala (NM_001406765.1); c.2924G>C, p.Gly975Ala (NM_001406768.1); c.2900G>C, p.Gly967Ala (NM_001406770.1); c.2792G>C, p.Gly931Ala (NM_001406772.1); c.2750G>C, p.Gly917Ala (NM_001406773.1); and 24 more; short protein forms G1018A, G724A, G821A, G888A, G917A, G967A, G1020A, G1063A.
Identifiers: ClinVar variation 2778924 (VCV002778924.5), dbSNP rs1233945445, ClinGen allele CA376558564.

ClinVar aggregate classification (germline): Uncertain significance. Review status: criteria provided, multiple submitters, no conflicts (2 of 4 stars). 3 submissions from 3 submitters: Uncertain significance (2). 1 of the submissions does not count toward it. Last evaluated 2023-12-14.

Conditions:
RET-related disorder. Also called: RET-related condition; RET-related disease; RET-related disorders.
Hereditary cancer-predisposing syndrome. Also called: Neoplastic Syndromes, Hereditary; Tumor predisposition; Hereditary Cancer Syndrome; Hereditary neoplastic syndrome. Identifiers: Orphanet 140162, MedGen C0027672, MeSH D009386, MONDO:0015356.
Multiple endocrine neoplasia, type 2 (MEN2). Identifiers: Orphanet 653, MedGen C4048306, MONDO:0019003. Disease mechanism: gain of function.

Submissions (3):

Ambry Genetics
Classification: Uncertain significance for Hereditary cancer-predisposing syndrome. Last evaluated: 2023-12-14. Review status: criteria provided, single submitter. Criteria: Ambry Variant Classification Scheme 2023. Collection method: clinical testing. Allele origin: germline.
Comment: The c.3187+1G>C intronic variant results from a G to C substitution one nucleotide after coding exon 19 of the RET gene. This alteration occurs at the 3' terminus of the RET gene, is not expected to trigger nonsense-mediated mRNA decay, and only impacts the last 55 amino acids of the protein. The exact functional effect of this alteration is unknown. This nucleotide position is highly conserved in available vertebrate species. In silico splice site analysis predicts that this alteration may weaken the native splice donor site. Since supporting evidence is limited at this time, the clinical significance of this alteration remains unclear.

Labcorp Genetics (formerly Invitae), Labcorp
Classification: Uncertain significance for Multiple endocrine neoplasia, type 2. Last evaluated: 2022-11-08. Review status: criteria provided, single submitter. Criteria: Invitae Variant Classification Sherloc (09022015). Collection method: clinical testing. Allele origin: germline.
Comment: Variants that disrupt the consensus splice site are a relatively common cause of aberrant splicing (PMID: 17576681, 9536098). Algorithms developed to predict the effect of sequence changes on RNA splicing suggest that this variant may disrupt the consensus splice site. In summary, the available evidence is currently insufficient to determine the role of this variant in disease. Therefore, it has been classified as a Variant of Uncertain Significance. This variant has not been reported in the literature in individuals affected with RET-related conditions. This sequence change affects a donor splice site in intron 19 of the RET gene. While this variant is not anticipated to result in nonsense mediated decay, it likely alters RNA splicing and results in a disrupted protein product. This variant is not present in population databases (gnomAD no frequency).

PreventionGenetics, part of Exact Sciences
Classification: Uncertain significance for RET-related condition. Last evaluated: 2024-08-20. Review status: no assertion criteria provided. Collection method: clinical testing. Allele origin: germline. Not counted in ClinVar's aggregate classification.
Comment: The RET c.3187+1G>C variant is predicted to disrupt the GT donor site and interfere with normal splicing. This variant is at the donor site of the 2nd last exon and is not a donor splice site for other transcripts, example NM_001355216:c.2426G>C (p.Gly809Ala). To our knowledge, this variant has not been reported in the literature or in a large population database, indicating this variant is rare. Although we suspect that this variant may be pathogenic, at this time, the clinical significance of this variant is uncertain due to the absence of conclusive functional and genetic evidence.

Literature cited by the submitters: PubMed 17576681 (cited by Labcorp Genetics (formerly Invitae), Labcorp); PubMed 9536098 (cited by Labcorp Genetics (formerly Invitae), Labcorp).